The following is an entry in ClinVar:

ClinVar aggregate classification (germline): Likely benign (0 of 4 stars; one submission).

Conditions:
SEMA3A-related disorder. Also called: SEMA3A-related condition.

Allele frequency attached by ClinVar (database versions not stated): gnomAD exomes below 0.00001; ExAC 0.00002; gnomAD 0.00006; TOPMed 0.00006; ESP Exome Variant Server 0.00008.
gnomAD v4.1: 13 of 1,534,392 alleles (0.00085%); highest among the groups gnomAD compares: African/African-American, 0.015%; no homozygotes.

Submission:

PreventionGenetics, part of Exact Sciences
Classification: Likely benign for SEMA3A-related condition. Last evaluated: 2022-09-21. Review status: no assertion criteria provided. Collection method: clinical testing. Allele origin: germline.
Comment: This variant is classified as likely benign based on ACMG/AMP sequence variant interpretation guidelines (Richards et al. 2015 PMID: 25741868, with internal and published modifications).

NM_006080.3(SEMA3A):c.996-4T>C

Gene: SEMA3A (semaphorin 3A; minus strand). Cytogenetic location: 7q21.11.
Variant type: single nucleotide variant.
Coding change: c.996-4T>C on transcript NM_006080.3 (MANE Select); 4 bases into the intron before coding-DNA position 996, T replaced by C.
Molecular consequence: intron variant.
Genome position (GRCh38, 1-based): chr7:84,007,501, A>G on the plus strand (T>C on the coding strand, the complement: SEMA3A is on the minus strand). VCF-style: chr7-84007501-A-G. GRCh37 (hg19) VCF-style: chr7-83636817-A-G.
Identifiers: ClinVar variation 3029330 (VCV003029330.2), dbSNP rs373363078, ClinGen allele CA4322860.
Genomic context (GRCh38, chr7:84,007,501, plus strand): 5'-ACCCTTCTCACATCACTCATGCTATACATACACACGGCTGATCCCTTGAAAATGTTACTG[A>G]ACAAGACAGCAAGAATAAAAACAGAAGTTCATCTTTATACAATGGTAAGAGAAATATTGA-3'